The following is an entry in ClinVar:

NM_001367721.1(CASK):c.553_565del (p.Phe185fs)

Gene: CASK (calcium/calmodulin dependent serine protein kinase; minus strand). Cytogenetic location: Xp11.4.
Variant type: Deletion.
Coding change: c.553_565del on transcript NM_001367721.1 (MANE Select); coding-DNA positions 553 to 565, 13 bases deleted (TTTATGGCACCAG).
Protein change: p.Phe185fs; shifts the reading frame from phenylalanine 185.
Molecular consequence: frameshift variant.
Genome position (GRCh38, 1-based): chrX:41,665,420-41,665,432, CTGGTGCCATAAA deleted on the plus strand (TTTATGGCACCAG on the coding strand, the reverse complement: CASK is on the minus strand). VCF-style (leftmost placement, unchanged base first): chrX-41665419-TCTGGTGCCATAAA-T. GRCh37 (hg19) VCF-style: chrX-41524672-TCTGGTGCCATAAA-T.
Other names: c.553_565delTTTATGGCACCAG (NM_003688.3); c.553_565delTTTATGGCACCAG, p.Phe185Lysfs (NM_001126054.3, NM_001126055.3, NM_001410745.1 and 1 more transcripts); short protein forms F185fs.
Identifiers: ClinVar variation 523973 (VCV000523973.2), dbSNP rs1556014805, ClinGen allele CA658799732.

ClinVar aggregate classification (germline): Pathogenic (1 of 4 stars; one submission).

Submission:

GeneDx
Classification: Pathogenic. Last evaluated: 2018-03-15. Review status: criteria provided, single submitter. Criteria: GeneDx Variant Classification (06012015). Collection method: clinical testing. Allele origin: germline. Affected: yes.
Comment: The c.553_565del13 variant in the CASK gene has not been reported previously as a pathogenic variant nor as a benign variant, to our knowledge. The c.553_565del13 variant causes a frameshift starting with codon Phenylalanine 185, changes this amino acid to a Lysine residue, and creates a premature Stop codon at position 12 of the new reading frame, denoted p.Phe185LysfsX12. This variant is predicted to cause loss of normal protein function either through protein truncation or nonsense-mediated mRNA decay. The c.553_565del13 variant is not observed in large population cohorts (Lek et al., 2016). We interpret c.553_565del13 as a pathogenic variant.